The following is an entry in ClinVar:

ClinVar aggregate classification (germline): Uncertain significance (1 of 4 stars; one submission).

Submission:

Labcorp Genetics (formerly Invitae), Labcorp
Classification: Uncertain significance. Last evaluated: 2022-09-29. Review status: criteria provided, single submitter. Criteria: Invitae Variant Classification Sherloc (09022015). Collection method: clinical testing. Allele origin: germline.
Comment: In summary, the available evidence is currently insufficient to determine the role of this variant in disease. Therefore, it has been classified as a Variant of Uncertain Significance. Algorithms developed to predict the effect of missense changes on protein structure and function are either unavailable or do not agree on the potential impact of this missense change (SIFT: "Tolerated"; PolyPhen-2: "Not Available"; Align-GVGD: "Class C0"). This variant has not been reported in the literature in individuals affected with PCLO-related conditions. This variant is not present in population databases (gnomAD no frequency). This sequence change replaces glutamic acid, which is acidic and polar, with aspartic acid, which is acidic and polar, at codon 322 of the PCLO protein (p.Glu322Asp).

NM_033026.6(PCLO):c.966A>C (p.Glu322Asp)

Gene: PCLO (piccolo presynaptic cytomatrix protein; minus strand). Cytogenetic location: 7q21.11.
Variant type: single nucleotide variant.
Coding change: c.966A>C on transcript NM_033026.6 (MANE Select); coding-DNA position 966, A replaced by C.
Protein change: p.Glu322Asp; replaces glutamic acid 322 with aspartic acid.
Molecular consequence: missense variant.
Genome position (GRCh38, 1-based): chr7:83,155,675, T>G on the plus strand (A>C on the coding strand, the complement: PCLO is on the minus strand). VCF-style: chr7-83155675-T-G. GRCh37 (hg19) VCF-style: chr7-82784991-T-G.
Other names: c.966A>C, p.Glu322Asp (NM_014510.3); short protein forms E322D.
Identifiers: ClinVar variation 1719917 (VCV001719917.5), dbSNP rs2484903657, ClinGen allele CA367916684.